The following is an entry in ClinVar:

NM_001369.3(DNAH5):c.11471_11472insATGTGTATAAGAGA (p.Ser3824delinsArgCysValTer)

Gene: DNAH5 (dynein axonemal heavy chain 5; minus strand). Cytogenetic location: 5p15.2.
Variant type: Insertion.
Coding change: c.11471_11472insATGTGTATAAGAGA on transcript NM_001369.3 (MANE Select); coding-DNA positions 11471 to 11472, ATGTGTATAAGAGA inserted.
Protein change: p.Ser3824delinsArgCysValTer.
Molecular consequence: nonsense.
Genome position: GRCh38 VCF-style: chr5-13735916-G-GTCTCTTATACACAT. GRCh37 (hg19) VCF-style: chr5-13736025-G-GTCTCTTATACACAT.
Identifiers: ClinVar variation 5010398 (VCV005010398.1).
Genomic context (GRCh38, chr5:13,735,916, plus strand): 5'-AAGCGAAGTCTGATACATCTCATTAACCAAGCGCATCTCAGTAATGAGGAAGTAGAGGAT[G>GTCTCTTATACACAT]CTGCCCCGCGTAGCCACTGGAAGACAAAGAGCAAGGTTGCATGTGCTACGAGAGAGGAAA-3'

ClinVar aggregate classification (germline): Pathogenic (1 of 4 stars; one submission).

Conditions:
Primary ciliary dyskinesia 3. Identifiers: Orphanet 244, MedGen C1837618, MONDO:0012085, OMIM 608644.

Submission:

Myriad Genetics, Inc.
Classification: Pathogenic for Primary ciliary dyskinesia 3. Last evaluated: 2024-05-14. Review status: criteria provided, single submitter. Criteria: Myriad Autosomal Dominant, Autosomal Recessive and X-Linked Classification Criteria (2023). Collection method: clinical testing. Allele origin: unknown.
Comment: NM_001369.2(DNAH5):c.11471_11472ins14(S3824Rfs*4) is expected to be pathogenic in the context of primary ciliary dyskinesia, DNAH5-related. This variant is predicted to lead to an abnormal or absent protein product due to the creation of a premature termination codon in DNAH5, a gene where loss-of-function variants are known to be pathogenic. Please note: this variant was assessed in the context of healthy population screening.